The following is an entry in ClinVar:

ClinVar aggregate classification (germline): Benign/Likely benign. Review status: criteria provided, multiple submitters, no conflicts (2 of 4 stars). 12 submissions from 12 submitters: Benign (4); Likely benign (4). 4 of the submissions do not count toward it. Last evaluated 2026-01-28.

Conditions:
Spastic paraplegia. Identifiers: MedGen C0037772, HP:0001258.
Hereditary spastic paraplegia. Also called: Familial spastic paraparesis. Identifiers: Orphanet 685, MedGen C0037773, MONDO:0019064. Disease mechanism: loss of function.
SACS-related disorder. Also called: SACS-related condition.
Charlevoix-Saguenay spastic ataxia (SACS). Also called: Spastic ataxia of Charlevoix-Saguenay; SPASTIC ATAXIA 6, AUTOSOMAL RECESSIVE; AUTOSOMAL RECESSIVE SPASTIC ATAXIA OF CHARLEVOIX-SAGUENAY. Identifiers: Orphanet 98, MedGen C1849140, MONDO:0010041, OMIM 270550.

Allele frequency attached by ClinVar (database versions not stated): gnomAD 0.00075 and 0.00084; TOPMed 0.00077; ESP Exome Variant Server 0.00085; ExAC 0.00101; 1000 Genomes Project 30x 0.00109; gnomAD exomes 0.00109 and 0.00141; 1000 Genomes Project 0.00120.

Submissions (12):

Labcorp Genetics (formerly Invitae), Labcorp
Classification: Benign for Spastic paraplegia. Last evaluated: 2026-01-28. Review status: criteria provided, single submitter. Criteria: Invitae Variant Classification Sherloc (09022015). Collection method: clinical testing. Allele origin: germline.

CeGaT Center for Human Genetics Tuebingen
Classification: Likely benign. Last evaluated: 2025-08-01. Review status: criteria provided, single submitter. Criteria: CeGaT Center For Human Genetics Tuebingen Variant Classification Criteria Version 2. Collection method: clinical testing. Allele origin: germline. Affected: yes. Observed: 10 variant alleles.
Comment: SACS: BP4, BS2

Mayo Clinic Laboratories, Mayo Clinic
Classification: Benign. Last evaluated: 2025-07-21. Review status: criteria provided, single submitter. Criteria: ACMG Guidelines, 2015. Collection method: clinical testing. Allele origin: germline. Observed: 9 variant alleles.

Blueprint Genetics
Classification: Likely benign. Last evaluated: 2024-11-25. Review status: criteria provided, single submitter. Criteria: ACMG Guidelines, 2015. Collection method: clinical testing. Allele origin: germline.

Women's Health and Genetics/Laboratory Corporation of America, LabCorp
Classification: Likely benign. Last evaluated: 2023-12-07. Review status: criteria provided, single submitter. Criteria: LabCorp Variant Classification Summary - May 2015. Collection method: clinical testing. Allele origin: germline.
Comment: Variant summary: SACS c.2146C>T (p.His716Tyr) results in a conservative amino acid change in the encoded protein sequence. Five of five in-silico tools predict a benign effect of the variant on protein function. The variant allele was found at a frequency of 0.0011 in 251298 control chromosomes in the gnomAD database, including 4 homozygotes. Although this frequency is not significantly higher than estimated for a pathogenic variant in SACS causing Autosomal Recessive Spastic Ataxia Of Charlevoix-Saguenay (0.0011 vs 0.0079), the healthy homozygous individuals suggest the variant is likely a benign polymorphism. To our knowledge, no occurrence of c.2146C>T in individuals affected with Autosomal Recessive Spastic Ataxia Of Charlevoix-Saguenay and no experimental evidence demonstrating its impact on protein function have been reported. Eight submitters have cited clinical-significance assessments for this variant to ClinVar after 2014. All submitters classified the variant as benign/likely benign. Based on the evidence outlined above, the variant was classified as likely benign.

Genome-Nilou Lab
Classification: Benign for Charlevoix-Saguenay spastic ataxia. Last evaluated: 2021-05-18. Review status: criteria provided, single submitter. Criteria: ACMG Guidelines, 2015. Collection method: clinical testing. Allele origin: germline. Affected: no.

Genome Diagnostics Laboratory, The Hospital for Sick Children
Classification: Likely benign for Hereditary spastic paraplegia. Last evaluated: 2020-03-01. Review status: criteria provided, single submitter. Criteria: ACMG Guidelines, 2015. Collection method: clinical testing. Allele origin: germline. Affected: yes.

Athena Diagnostics
Classification: Benign. Last evaluated: 2018-06-05. Review status: criteria provided, single submitter. Criteria: Athena Diagnostics Criteria. Collection method: clinical testing. Allele origin: germline.

PreventionGenetics, part of Exact Sciences
Classification: Likely benign for SACS-related condition. Last evaluated: 2022-04-20. Review status: no assertion criteria provided. Collection method: clinical testing. Allele origin: germline. Not counted in ClinVar's aggregate classification.
Comment: This variant is classified as likely benign based on ACMG/AMP sequence variant interpretation guidelines (Richards et al. 2015 PMID: 25741868, with internal and published modifications).

Clinical Genetics DNA and cytogenetics Diagnostics Lab, Erasmus MC, Erasmus Medical Center
Classification: Likely benign. Review status: no assertion criteria provided. Collection method: clinical testing. Allele origin: germline. Affected: yes. Study: VKGL Data-share Consensus. Not counted in ClinVar's aggregate classification.

Department of Pathology and Laboratory Medicine, Sinai Health System
Classification: Benign. Review status: no assertion criteria provided. Collection method: clinical testing. Allele origin: unknown. Affected: yes. Study: The Canadian Open Genetics Repository (COGR). Not counted in ClinVar's aggregate classification.
Comment: The SACS p.His569Tyr variant was not identified in the literature but was identified in dbSNP (ID: rs146852400) and ClinVar (classified as benign by Invitae and Athena Diagnostics Inc and as uncertain significance by CeGaT Praxis fuer Humangenetik Tuebingen). The variant was identified in control databases in 295 of 282698 chromosomes (4 homozygous) at a frequency of 0.001044 increasing the likelihood this could be a low frequency benign variant (Genome Aggregation Database March 6, 2019, v2.1.1). The variant was observed in the following populations: South Asian in 109 of 30608 chromosomes (freq: 0.003561), Ashkenazi Jewish in 12 of 10364 chromosomes (freq: 0.001158), European (non-Finnish) in 148 of 129080 chromosomes (freq: 0.001147), Other in 4 of 7218 chromosomes (freq: 0.000554), European (Finnish) in 8 of 25116 chromosomes (freq: 0.000319), African in 6 of 24932 chromosomes (freq: 0.000241) and Latino in 8 of 35426 chromosomes (freq: 0.000226), but was not observed in the East Asian population. The p.His569 residue is not conserved in mammals and four out of five computational analyses (PolyPhen-2, SIFT, AlignGVGD, BLOSUM, MutationTaster) do not suggest a high likelihood of impact to the protein; however, this information is not predictive enough to rule out pathogenicity. The variant occurs outside of the splicing consensus sequence and in silico or computational prediction software programs (SpliceSiteFinder, MaxEntScan, NNSPLICE, GeneSplicer) do not predict a difference in splicing. In summary, based on the above information this variant meets our laboratory's criteria to be classified as benign.

Laboratory of Diagnostic Genome Analysis, Leiden University Medical Center (LUMC)
Classification: Likely benign. Review status: no assertion criteria provided. Collection method: clinical testing. Allele origin: germline. Affected: yes. Study: VKGL Data-share Consensus. Not counted in ClinVar's aggregate classification.

NM_014363.6(SACS):c.2146C>T (p.His716Tyr)

Gene: SACS (sacsin molecular chaperone; minus strand). Cytogenetic location: 13q12.12.
Variant type: single nucleotide variant.
Coding change: c.2146C>T on transcript NM_014363.6 (MANE Select); coding-DNA position 2146, C replaced by T.
Protein change: p.His716Tyr; replaces histidine 716 with tyrosine.
Molecular consequence: missense variant.
Genome position (GRCh38, 1-based): chr13:23,353,824, G>A on the plus strand (C>T on the coding strand, the complement: SACS is on the minus strand). VCF-style: chr13-23353824-G-A. GRCh37 (hg19) VCF-style: chr13-23927963-G-A.
Other names: p.His716Tyr; c.1705C>T, p.His569Tyr (NM_001278055.2); short protein forms H716Y, H569Y.
Identifiers: ClinVar variation 528031 (VCV000528031.64), dbSNP rs146852400, ClinGen allele CA6911762.